The following is an entry in ClinVar:

NM_000051.4(ATM):c.5349A>G (p.Glu1783=)

Gene: ATM (ATM serine/threonine kinase; plus strand). Cytogenetic location: 11q22.3.
Variant type: single nucleotide variant.
Coding change: c.5349A>G on transcript NM_000051.4 (MANE Select); coding-DNA position 5349, A replaced by G.
Protein change: p.Glu1783=; no amino-acid change (glutamic acid 1783 retained).
Molecular consequence: synonymous variant.
Genome position (GRCh38, 1-based): chr11:108,302,882, A>G. VCF-style: chr11-108302882-A-G. GRCh37 (hg19) VCF-style: chr11-108173609-A-G.
Other names: c.5349A>G, p.Glu1783= (NM_001351834.2).
Identifiers: ClinVar variation 482643 (VCV000482643.16), dbSNP rs1555106353, ClinGen allele CA476674896.

ClinVar aggregate classification (germline): Benign/Likely benign. Review status: criteria provided, multiple submitters, no conflicts (2 of 4 stars). 3 submissions from 3 submitters: Benign (1); Likely benign (2). Last evaluated 2025-03-31.

Conditions:
Familial cancer of breast. Also called: BREAST CANCER, FAMILIAL; Hereditary breast cancer; hereditary breast carcinoma. Identifiers: Orphanet 227535, MedGen C0346153, MONDO:0016419, OMIM 114480. Disease mechanism: loss of function.
Hereditary cancer-predisposing syndrome. Also called: Hereditary neoplastic syndrome; Neoplastic Syndromes, Hereditary; Tumor predisposition; Hereditary Cancer Syndrome. Identifiers: Orphanet 140162, MedGen C0027672, MeSH D009386, MONDO:0015356.
Ataxia-telangiectasia syndrome (AT). Also called: LOUIS-BAR SYNDROME; Cerebello-oculocutaneous telangiectasia; Immunodeficiency with ataxia telangiectasia; AT, COMPLEMENTATION GROUP C; Ataxia-telangiectasia, complementation group D; ATAXIA-TELANGIECTASIA, COMPLEMENTATION GROUP A. Identifiers: Orphanet 100, MedGen C0004135, MONDO:0008840, OMIM 208900.

Submissions (3):

Labcorp Genetics (formerly Invitae), Labcorp
Classification: Likely benign for Ataxia-telangiectasia syndrome. Last evaluated: 2025-03-31. Review status: criteria provided, single submitter. Criteria: Invitae Variant Classification Sherloc (09022015). Collection method: clinical testing. Allele origin: germline.

Myriad Genetics, Inc.
Classification: Benign for Familial cancer of breast. Last evaluated: 2024-05-23. Review status: criteria provided, single submitter. Criteria: Myriad Autosomal Dominant, Autosomal Recessive and X-Linked Classification Criteria (2023). Collection method: clinical testing. Allele origin: unknown.
Comment: This variant is considered benign. This variant is a silent/synonymous amino acid change and it is not expected to impact splicing.

Ambry Genetics
Classification: Likely benign for Hereditary cancer-predisposing syndrome. Last evaluated: 2016-10-18. Review status: criteria provided, single submitter. Criteria: Ambry Variant Classification Scheme 2023. Collection method: clinical testing. Allele origin: germline.